The following is an entry in ClinVar:

ClinVar aggregate classification (germline): Pathogenic (1 of 4 stars; one submission).

Conditions:
Hereditary cancer-predisposing syndrome. Also called: Neoplastic Syndromes, Hereditary; Tumor predisposition; Hereditary Cancer Syndrome; Hereditary neoplastic syndrome. Identifiers: Orphanet 140162, MedGen C0027672, MeSH D009386, MONDO:0015356.

Submission:

Ambry Genetics
Classification: Pathogenic for Hereditary cancer-predisposing syndrome. Last evaluated: 2018-05-21. Review status: criteria provided, single submitter. Criteria: Ambry Variant Classification Scheme 2023. Collection method: clinical testing. Allele origin: germline.
Comment: The c.1743dupA pathogenic mutation, located in coding exon 11 of the PMS2 gene, results from a duplication of A at nucleotide position 1743, causing a translational frameshift with a predicted alternate stop codon (p.E582Rfs*8). This alteration is expected to result in loss of function by premature protein truncation or nonsense-mediated mRNA decay. As such, this alteration is interpreted as a disease-causing mutation.

NM_000535.7(PMS2):c.1743dup (p.Glu582fs)

Gene: PMS2 (PMS1 homolog 2, mismatch repair system component; minus strand). Cytogenetic location: 7p22.1.
Variant type: Duplication.
Coding change: c.1743dup on transcript NM_000535.7 (MANE Select); coding-DNA position 1743, one base duplicated (A; older notation c.1743dupA).
Protein change: p.Glu582fs; shifts the reading frame from glutamic acid 582.
Molecular consequence: frameshift variant. On other transcripts: non-coding transcript variant (1).
Genome position (GRCh38, 1-based): chr7:5,987,022, T duplicated on the plus strand (A on the coding strand, the reverse complement: PMS2 is on the minus strand); the first of 6 consecutive T bases (chr7:5,987,022-5,987,027); duplicating any one gives the same sequence. VCF-style (leftmost placement, unchanged base first): chr7-5987021-C-CT. GRCh37 (hg19) VCF-style: chr7-6026652-C-CT.
Other names: c.1333dup, p.Glu447Argfs (NM_001018040.1, NM_001406887.1, NM_001406888.1 and 13 more transcripts); c.1338dup, p.Glu447fs (NM_001322003.2, NM_001322004.2, NM_001322005.2 and 1 more transcripts); c.1587dup, p.Glu530fs (NM_001322006.2); c.1425dup, p.Glu476fs (NM_001322007.2, NM_001322008.2); c.1182dup, p.Glu395fs (NM_001322010.2); c.810dup, p.Glu271fs (NM_001322011.2, NM_001322012.2); c.1170dup, p.Glu391fs (NM_001322013.2); c.1743dup, p.Glu582fs (NM_001322014.2); and 20 more; short protein forms E271fs, E391fs, E476fs, E479fs, E530fs, E582fs, E395fs, E447fs.
Identifiers: ClinVar variation 1779240 (VCV001779240.2), dbSNP rs1057517801, ClinGen allele CA2580076893.